The following is an entry in ClinVar:

ClinVar aggregate classification (germline): Uncertain significance (1 of 4 stars; one submission).

Conditions:
Osteogenesis imperfecta with normal sclerae, dominant form (OI4). Also called: OSTEOGENESIS IMPERFECTA WITH NORMAL SCLERAE; Common Variable Osteogenesis Imperfecta with Normal Sclerae; Osteogenesis imperfecta type 4; OSTEOGENESIS IMPERFECTA, TYPE IV, WITH DENTINOGENESIS IMPERFECTA; Osteogenesis Imperfecta Type IV. Identifiers: Orphanet 216820, Orphanet 666, MedGen C0268363, MONDO:0008148, OMIM 166220.

Submission:

3billion
Classification: Uncertain significance for Osteogenesis imperfecta with normal sclerae, dominant form. Last evaluated: 2024-01-08. Review status: criteria provided, single submitter. Criteria: ACMG Guidelines, 2015. Collection method: clinical testing. Allele origin: germline. Affected: yes.
Comment: The variant is not observed in the gnomAD v2.1.1 dataset. Predicted Consequence/Location: Missense changes are a common disease-causing mechanism. In silico tool predictions suggest damaging effect of the variant on gene or gene product [REVEL: 0.94 (>=0.6, sensitivity 0.68 and specificity 0.92); 3Cnet: 0.38 (>=0.6, sensitivity 0.72 and precision 0.9)]. Therefore, this variant is classified as VUS according to the recommendation of ACMG/AMP guideline.

NM_000089.4(COL1A2):c.3758A>G (p.Gln1253Arg)

Gene: COL1A2 (collagen type I alpha 2 chain; plus strand). Cytogenetic location: 7q21.3.
Variant type: single nucleotide variant.
Coding change: c.3758A>G on transcript NM_000089.4 (MANE Select); coding-DNA position 3758, A replaced by G.
Protein change: p.Gln1253Arg; replaces glutamine 1253 with arginine.
Molecular consequence: missense variant.
Genome position (GRCh38, 1-based): chr7:94,429,234, A>G. VCF-style: chr7-94429234-A-G. GRCh37 (hg19) VCF-style: chr7-94058546-A-G.
Other names: short protein forms Q1253R.
Identifiers: ClinVar variation 3775644 (VCV003775644.1).